The following is an entry in ClinVar:

NM_000209.4(PDX1):c.349C>G (p.Leu117Val)

Gene: PDX1 (pancreatic and duodenal homeobox 1; plus strand). Cytogenetic location: 13q12.2.
Variant type: single nucleotide variant.
Coding change: c.349C>G on transcript NM_000209.4 (MANE Select); coding-DNA position 349, C replaced by G.
Protein change: p.Leu117Val; replaces leucine 117 with valine.
Molecular consequence: missense variant.
Genome position (GRCh38, 1-based): chr13:27,920,487, C>G. VCF-style: chr13-27920487-C-G. GRCh37 (hg19) VCF-style: chr13-28494624-C-G.
Other names: short protein forms L117V.
Identifiers: ClinVar variation 3364833 (VCV003364833.1).

ClinVar aggregate classification (germline): Uncertain significance (1 of 4 stars; one submission).

gnomAD v4.1: 11 of 1,611,844 alleles (0.00068%); highest among the groups gnomAD compares: Admixed American, 0.0067%; no homozygotes.

Submission:

GeneDx
Classification: Uncertain significance. Last evaluated: 2023-11-22. Review status: criteria provided, single submitter. Criteria: GeneDx Variant Classification Process June 2021. Collection method: clinical testing. Allele origin: germline. Affected: yes.
Comment: In silico analysis supports that this missense variant does not alter protein structure/function; Has not been previously published as pathogenic or benign to our knowledge